The following is an entry in ClinVar:

ClinVar aggregate classification (germline): Uncertain significance. Review status: criteria provided, multiple submitters, no conflicts (2 of 4 stars). 2 submissions from 2 submitters: Uncertain significance (2). Last evaluated 2023-04-20.

Conditions:
Inborn genetic diseases. Identifiers: MedGen C0950123, MeSH D030342.
Alpha-methylacyl-CoA racemase deficiency (AMACRD). Also called: AMACR deficiency. Identifiers: Orphanet 79095, MedGen C3280428, MONDO:0013681, OMIM 614307. Disease mechanism: loss of function.

Allele frequency attached by ClinVar (database versions not stated): gnomAD exomes below 0.00001; gnomAD 0.00002; TOPMed 0.00002.
gnomAD v4.1: 7 of 1,613,990 alleles (0.00043%); highest among the groups gnomAD compares: Non-Finnish European, 0.00059%; no homozygotes.

Submissions (2):

Ambry Genetics
Classification: Uncertain significance for Inborn genetic diseases. Last evaluated: 2023-04-20. Review status: criteria provided, single submitter. Criteria: Ambry Variant Classification Scheme 2023. Collection method: clinical testing. Allele origin: germline.

Labcorp Genetics (formerly Invitae), Labcorp
Classification: Uncertain significance for Alpha-methylacyl-CoA racemase deficiency. Last evaluated: 2022-04-25. Review status: criteria provided, single submitter. Criteria: Invitae Variant Classification Sherloc (09022015). Collection method: clinical testing. Allele origin: germline.
Comment: This sequence change replaces asparagine, which is neutral and polar, with threonine, which is neutral and polar, at codon 211 of the AMACR protein (p.Asn211Thr). This variant is not present in population databases (gnomAD no frequency). This variant has not been reported in the literature in individuals affected with AMACR-related conditions. Algorithms developed to predict the effect of missense changes on protein structure and function are either unavailable or do not agree on the potential impact of this missense change (SIFT: "Deleterious"; PolyPhen-2: "Possibly Damaging"; Align-GVGD: "Class C0"). In summary, the available evidence is currently insufficient to determine the role of this variant in disease. Therefore, it has been classified as a Variant of Uncertain Significance.

NM_014324.6(AMACR):c.632A>C (p.Asn211Thr)

Genes: C1QTNF3-AMACR (C1QTNF3-AMACR readthrough (NMD candidate); minus strand), AMACR (alpha-methylacyl-CoA racemase; minus strand). Cytogenetic location: 5p13.2.
Variant type: single nucleotide variant.
Coding change: c.632A>C on transcript NM_014324.6 (MANE Select); coding-DNA position 632, A replaced by C.
Protein change: p.Asn211Thr; replaces asparagine 211 with threonine.
Molecular consequence: missense variant. On other transcripts: non-coding transcript variant (1).
Genome position (GRCh38, 1-based): chr5:33,998,748, T>G on the plus strand (A>C on the coding strand, the complement: AMACR is on the minus strand). VCF-style: chr5-33998748-T-G. GRCh37 (hg19) VCF-style: chr5-33998853-T-G.
Other names: c.632A>C (NM_014324.5); c.632A>C, p.Asn211Thr (NM_001167595.2); c.471A>C, p.Glu157Asp (NM_203382.3); short protein forms E157D, N211T.
Identifiers: ClinVar variation 1945335 (VCV001945335.4), dbSNP rs889950428, ClinGen allele CA116867046.